The following is an entry in ClinVar:

ClinVar aggregate classification (germline): Uncertain significance (1 of 4 stars; one submission).

Conditions:
Myopathy, proximal, and ophthalmoplegia (CMYO6). Also called: INCLUSION BODY MYOPATHY 3, AUTOSOMAL DOMINANT; CONGENITAL MYOPATHY 6 WITH OPHTHALMOPLEGIA; MYOPATHY WITH CONGENITAL JOINT CONTRACTURES, OPHTHALMOPLEGIA, AND RIMMED VACUOLES. Identifiers: Orphanet 363677, Orphanet 79091, MedGen C1854106, MONDO:0011577, OMIM 605637.

Allele frequency attached by ClinVar (database versions not stated): gnomAD exomes below 0.00001.
gnomAD v4.1: 1 of 1,614,080 alleles (0.000062%); highest among the groups gnomAD compares: Non-Finnish European, 0.000085%; no homozygotes.

Submission:

Labcorp Genetics (formerly Invitae), Labcorp
Classification: Uncertain significance for Myopathy, proximal, and ophthalmoplegia. Last evaluated: 2022-09-08. Review status: criteria provided, single submitter. Criteria: Invitae Variant Classification Sherloc (09022015). Collection method: clinical testing. Allele origin: germline.
Comment: This sequence change replaces valine, which is neutral and non-polar, with isoleucine, which is neutral and non-polar, at codon 1241 of the MYH2 protein (p.Val1241Ile). This variant is not present in population databases (gnomAD no frequency). This variant has not been reported in the literature in individuals affected with MYH2-related conditions. ClinVar contains an entry for this variant (Variation ID: 964586). Algorithms developed to predict the effect of missense changes on protein structure and function (SIFT, PolyPhen-2, Align-GVGD) all suggest that this variant is likely to be tolerated. In summary, the available evidence is currently insufficient to determine the role of this variant in disease. Therefore, it has been classified as a Variant of Uncertain Significance.

NM_017534.6(MYH2):c.3721G>A (p.Val1241Ile)

Genes: MYHAS (myosin heavy chain gene cluster antisense RNA; plus strand), MYH2 (myosin heavy chain 2; minus strand). Cytogenetic location: 17p13.1.
Variant type: single nucleotide variant.
Coding change: c.3721G>A on transcript NM_017534.6 (MANE Select); coding-DNA position 3721, G replaced by A.
Protein change: p.Val1241Ile; replaces valine 1241 with isoleucine.
Molecular consequence: missense variant.
Genome position (GRCh38, 1-based): chr17:10,528,713, C>T on the plus strand (G>A on the coding strand, the complement: MYH2 is on the minus strand). VCF-style: chr17-10528713-C-T. GRCh37 (hg19) VCF-style: chr17-10432030-C-T.
Other names: c.3721G>A, p.Val1241Ile (NM_001100112.2); short protein forms V1241I.
Identifiers: ClinVar variation 964586 (VCV000964586.7), dbSNP rs2073384756, ClinGen allele CA398132409.
Genomic context (GRCh38, chr17:10,528,713, plus strand): 5'-ATTATTTTCAATAACAATTTCCCAGAATTTGTAGTACCTTGGCTTTGGAGACCGTTTCTA[C>T]ATTACTAGCAAGGTCATCAATCTCCATCTTCATCTCACTCTTCTCCTTCTCCAGCTTCTG-3'
Protein context (NP_060004.3, residues 1231-1251): KMEIDDLASN[Val1241Ile]ETVSKAKGNL